The following is an entry in ClinVar:

NM_001252024.2(TRPM1):c.256G>A (p.Gly86Ser)

Gene: TRPM1 (transient receptor potential cation channel subfamily M member 1; minus strand). Cytogenetic location: 15q13.3.
Variant type: single nucleotide variant.
Coding change: c.256G>A on transcript NM_001252024.2 (MANE Select); coding-DNA position 256, G replaced by A.
Protein change: p.Gly86Ser; replaces glycine 86 with serine.
Molecular consequence: missense variant.
Genome position (GRCh38, 1-based): chr15:31,070,054, C>T on the plus strand (G>A on the coding strand, the complement: TRPM1 is on the minus strand). VCF-style: chr15-31070054-C-T. GRCh37 (hg19) VCF-style: chr15-31362257-C-T.
Other names: c.307G>A, p.Gly103Ser (NM_001252020.2); c.190G>A, p.Gly64Ser (NM_001252030.2, NM_002420.6); short protein forms G86S, G103S, G64S.
Identifiers: ClinVar variation 1434942 (VCV001434942.5), dbSNP rs1235416173, ClinGen allele CA391536944.

ClinVar aggregate classification (germline): Uncertain significance (1 of 4 stars; one submission).

Allele frequency attached by ClinVar (database versions not stated): gnomAD exomes below 0.00001 and 0.00002; gnomAD 0.00001; TOPMed 0.00001.

Submission:

Labcorp Genetics (formerly Invitae), Labcorp
Classification: Uncertain significance. Last evaluated: 2024-02-24. Review status: criteria provided, single submitter. Criteria: Invitae Variant Classification Sherloc (09022015). Collection method: clinical testing. Allele origin: germline.
Comment: This sequence change replaces glycine, which is neutral and non-polar, with serine, which is neutral and polar, at codon 64 of the TRPM1 protein (p.Gly64Ser). This variant is present in population databases (no rsID available, gnomAD 0.007%). This variant has not been reported in the literature in individuals affected with TRPM1-related conditions. ClinVar contains an entry for this variant (Variation ID: 1434942). Advanced modeling of protein sequence and biophysical properties (such as structural, functional, and spatial information, amino acid conservation, physicochemical variation, residue mobility, and thermodynamic stability) performed at Invitae indicates that this missense variant is not expected to disrupt TRPM1 protein function with a negative predictive value of 95%. In summary, the available evidence is currently insufficient to determine the role of this variant in disease. Therefore, it has been classified as a Variant of Uncertain Significance.